The following is an entry in ClinVar:

ClinVar aggregate classification (germline): Uncertain significance. Review status: criteria provided, multiple submitters, no conflicts (2 of 4 stars). 2 submissions from 2 submitters: Uncertain significance (2). Last evaluated 2023-11-15.

Allele frequency attached by ClinVar (database versions not stated): gnomAD 0.00003; TOPMed 0.00004; ESP Exome Variant Server 0.00008.

Submissions (2):

Labcorp Genetics (formerly Invitae), Labcorp
Classification: Uncertain significance. Last evaluated: 2023-11-15. Review status: criteria provided, single submitter. Criteria: Invitae Variant Classification Sherloc (09022015). Collection method: clinical testing. Allele origin: germline.
Comment: This sequence change replaces alanine, which is neutral and non-polar, with threonine, which is neutral and polar, at codon 32 of the CHCHD2 protein (p.Ala32Thr). This variant is present in population databases (rs145190179, gnomAD 0.05%), and has an allele count higher than expected for a pathogenic variant. This missense change has been observed in individual(s) with amyotrophic lateral sclerosis and/or Parkinson disease (PMID: 26067110, 27538669). ClinVar contains an entry for this variant (Variation ID: 624280). Experimental studies and prediction algorithms are not available or were not evaluated, and the functional significance of this variant is currently unknown. In summary, the available evidence is currently insufficient to determine the role of this variant in disease. Therefore, it has been classified as a Variant of Uncertain Significance.

CeGaT Center for Human Genetics Tuebingen
Classification: Uncertain significance. Last evaluated: 2023-08-01. Review status: criteria provided, single submitter. Criteria: CeGaT Center For Human Genetics Tuebingen Variant Classification Criteria Version 2. Collection method: clinical testing. Allele origin: germline. Affected: yes. Observed: 2 variant alleles.
Comment: CHCHD2: PM6, BP4

Literature cited by the submitters: PubMed 26067110 (cited by Labcorp Genetics (formerly Invitae), Labcorp); PubMed 27538669 (cited by Labcorp Genetics (formerly Invitae), Labcorp).

NM_016139.4(CHCHD2):c.94G>A (p.Ala32Thr)

Gene: CHCHD2 (coiled-coil-helix-coiled-coil-helix domain containing 2; minus strand). Cytogenetic location: 7p11.2.
Variant type: single nucleotide variant.
Coding change: c.94G>A on transcript NM_016139.4 (MANE Select); coding-DNA position 94, G replaced by A.
Protein change: p.Ala32Thr; replaces alanine 32 with threonine.
Molecular consequence: missense variant.
Genome position (GRCh38, 1-based): chr7:56,104,432, C>T on the plus strand (G>A on the coding strand, the complement: CHCHD2 is on the minus strand). VCF-style: chr7-56104432-C-T. GRCh37 (hg19) VCF-style: chr7-56172125-C-T.
Other names: c.94G>A, p.Ala32Thr (NM_001320327.2); short protein forms A32T.
Identifiers: ClinVar variation 624280 (VCV000624280.46), dbSNP rs145190179, ClinGen allele CA4270579.